The following is an entry in ClinVar:

ClinVar aggregate classification (germline): Uncertain significance (1 of 4 stars; one submission).

Conditions:
Hereditary cancer-predisposing syndrome. Also called: Tumor predisposition; Neoplastic Syndromes, Hereditary; Hereditary neoplastic syndrome; Hereditary Cancer Syndrome. Identifiers: Orphanet 140162, MedGen C0027672, MeSH D009386, MONDO:0015356.

Submission:

Ambry Genetics
Classification: Uncertain significance for Hereditary cancer-predisposing syndrome. Last evaluated: 2025-08-27. Review status: criteria provided, single submitter. Criteria: Ambry Variant Classification Scheme 2023. Collection method: clinical testing. Allele origin: germline.
Comment: The p.E479D variant (also known as c.1437G>T), located in coding exon 14 of the MUTYH gene, results from a G to T substitution at nucleotide position 1437. The glutamic acid at codon 479 is replaced by aspartic acid, an amino acid with highly similar properties. This amino acid position is conserved. In addition, this alteration is predicted to be tolerated by in silico analysis. Based on the available evidence, the clinical significance of this variant remains unclear.

NM_001048174.2(MUTYH):c.1353G>T (p.Glu451Asp)

Gene: MUTYH (mutY DNA glycosylase; minus strand). Cytogenetic location: 1p34.1.
Variant type: single nucleotide variant.
Coding change: c.1353G>T on transcript NM_001048174.2 (MANE Select); coding-DNA position 1353, G replaced by T.
Protein change: p.Glu451Asp; replaces glutamic acid 451 with aspartic acid.
Molecular consequence: missense variant. On other transcripts: non-coding transcript variant (7).
Genome position (GRCh38, 1-based): chr1:45,331,221, C>A on the plus strand (G>T on the coding strand, the complement: MUTYH is on the minus strand). VCF-style: chr1-45331221-C-A. GRCh37 (hg19) VCF-style: chr1-45796893-C-A.
Other names: c.1353G>T, p.Glu451Asp (NM_001048171.2, NM_001048173.2, NM_001293195.2 and 6 more transcripts); c.1356G>T, p.Glu452Asp (NM_001048172.2, NM_001407071.1, NM_001407078.1 and 1 more transcripts); c.1437G>T, p.Glu479Asp (NM_001128425.2); c.1398G>T, p.Glu466Asp (NM_001293190.2); c.1386G>T, p.Glu462Asp (NM_001293191.2, NM_001407069.1, NM_001407077.1); c.1077G>T, p.Glu359Asp (NM_001293192.2, NM_001293196.2, NM_001407091.1); c.1008G>T, p.Glu336Asp (NM_001350650.2, NM_001350651.2, NM_001407082.1); c.1269G>T, p.Glu423Asp (NM_001407075.1); and 5 more; short protein forms E438D, E465D, E466D, E476D, E479D, E423D, E451D, E336D.
Identifiers: ClinVar variation 4113245 (VCV004113245.1).